The following is an entry in ClinVar:

ClinVar aggregate classification (germline): Likely benign. Review status: criteria provided, single submitter (1 of 4 stars). 2 submissions from 2 submitters: Likely benign (1). 1 of the submissions does not count toward it. Last evaluated 2025-08-03.

Conditions:
VPS13B-related disorder. Also called: VPS13B-related condition.
Cohen syndrome (COH1). Also called: PEPPER SYNDROME; Cutis verticis gyrata, retinitis pigmentosa, and sensorineural deafness. Identifiers: Orphanet 193, MedGen C0265223, MONDO:0008999, OMIM 216550.

Submissions (2):

Labcorp Genetics (formerly Invitae), Labcorp
Classification: Likely benign for Cohen syndrome. Last evaluated: 2025-08-03. Review status: criteria provided, single submitter. Criteria: Invitae Variant Classification Sherloc (09022015). Collection method: clinical testing. Allele origin: germline.

PreventionGenetics, part of Exact Sciences
Classification: Likely benign for VPS13B-related condition. Last evaluated: 2022-10-26. Review status: no assertion criteria provided. Collection method: clinical testing. Allele origin: germline. Not counted in ClinVar's aggregate classification.
Comment: This variant is classified as likely benign based on ACMG/AMP sequence variant interpretation guidelines (Richards et al. 2015 PMID: 25741868, with internal and published modifications).

NM_152564.5(VPS13B):c.1719C>T (p.Ser573=)

Gene: VPS13B (vacuolar protein sorting 13 homolog B; plus strand). Cytogenetic location: 8q22.2.
Variant type: single nucleotide variant.
Coding change: c.1719C>T on transcript NM_152564.5 (MANE Select); coding-DNA position 1719, C replaced by T.
Protein change: p.Ser573=; no amino-acid change (serine 573 retained).
Molecular consequence: synonymous variant.
Genome position (GRCh38, 1-based): chr8:99,143,041, C>T. VCF-style: chr8-99143041-C-T. GRCh37 (hg19) VCF-style: chr8-100155269-C-T.
Other names: c.1719C>T, p.Ser573= (NM_015243.3, NM_017890.5).
Identifiers: ClinVar variation 3354295 (VCV003354295.2).